The following is an entry in ClinVar:

ClinVar aggregate classification (germline): Uncertain significance (1 of 4 stars; one submission).

Conditions:
Immunodeficiency due to CD25 deficiency. Also called: CD25 DEFICIENCY; IMMUNODEFICIENCY 41 WITH LYMPHOPROLIFERATION AND AUTOIMMUNITY; IL2RA DEFICIENCY. Identifiers: Orphanet 169100, MedGen C1853392, MONDO:0011664, OMIM 606367.

Submission:

Labcorp Genetics (formerly Invitae), Labcorp
Classification: Uncertain significance for Immunodeficiency due to CD25 deficiency. Last evaluated: 2022-11-12. Review status: criteria provided, single submitter. Criteria: Invitae Variant Classification Sherloc (09022015). Collection method: clinical testing. Allele origin: germline.
Comment: In summary, the available evidence is currently insufficient to determine the role of this variant in disease. Therefore, it has been classified as a Variant of Uncertain Significance. This sequence change replaces alanine, which is neutral and non-polar, with valine, which is neutral and non-polar, at codon 38 of the IL2RA protein (p.Ala38Val). This variant is not present in population databases (gnomAD no frequency). This variant has not been reported in the literature in individuals affected with IL2RA-related conditions. Advanced modeling of protein sequence and biophysical properties (such as structural, functional, and spatial information, amino acid conservation, physicochemical variation, residue mobility, and thermodynamic stability) performed at Invitae indicates that this missense variant is not expected to disrupt IL2RA protein function.

NM_000417.3(IL2RA):c.113C>T (p.Ala38Val)

Gene: IL2RA (interleukin 2 receptor subunit alpha; minus strand). Cytogenetic location: 10p15.1.
Variant type: single nucleotide variant.
Coding change: c.113C>T on transcript NM_000417.3 (MANE Select); coding-DNA position 113, C replaced by T.
Protein change: p.Ala38Val; replaces alanine 38 with valine.
Molecular consequence: missense variant.
Genome position (GRCh38, 1-based): chr10:6,025,977, G>A on the plus strand (C>T on the coding strand, the complement: IL2RA is on the minus strand). VCF-style: chr10-6025977-G-A. GRCh37 (hg19) VCF-style: chr10-6067940-G-A.
Other names: c.113C>T, p.Ala38Val (NM_001308242.2, NM_001308243.2); short protein forms A38V.
Identifiers: ClinVar variation 2813861 (VCV002813861.3), dbSNP rs2539649948, ClinGen allele CA375931050.